The following is an entry in ClinVar:

ClinVar aggregate classification (germline): Uncertain significance (1 of 4 stars; one submission).

Conditions:
Ataxia-telangiectasia syndrome (AT). Also called: ATAXIA-TELANGIECTASIA, FRESNO VARIANT; Ataxia-telangiectasia, complementation group D; AT, COMPLEMENTATION GROUP C; Cerebello-oculocutaneous telangiectasia; Immunodeficiency with ataxia telangiectasia; Ataxia telangiectasia (A-T). Identifiers: Orphanet 100, MedGen C0004135, MONDO:0008840, OMIM 208900.

Allele frequency attached by ClinVar (database versions not stated): gnomAD exomes below 0.00001.
gnomAD v4.1: 2 of 1,613,742 alleles (0.00012%); highest among the groups gnomAD compares: Non-Finnish European, 0.00017%; no homozygotes.

Submission:

Labcorp Genetics (formerly Invitae), Labcorp
Classification: Uncertain significance for Ataxia-telangiectasia syndrome. Last evaluated: 2020-08-26. Review status: criteria provided, single submitter. Criteria: Invitae Variant Classification Sherloc (09022015). Collection method: clinical testing. Allele origin: germline.
Comment: This sequence change replaces alanine with proline at codon 235 of the ATM protein (p.Ala235Pro). The alanine residue is highly conserved and there is a small physicochemical difference between alanine and proline. This variant is not present in population databases (ExAC no frequency). This variant has not been reported in the literature in individuals with ATM-related conditions. Advanced modeling of protein sequence and biophysical properties (such as structural, functional, and spatial information, amino acid conservation, physicochemical variation, residue mobility, and thermodynamic stability) performed at Invitae indicates that this missense variant is not expected to disrupt ATM protein function. In summary, the available evidence is currently insufficient to determine the role of this variant in disease. Therefore, it has been classified as a Variant of Uncertain Significance.

NM_000051.4(ATM):c.703G>C (p.Ala235Pro)

Gene: ATM (ATM serine/threonine kinase; plus strand). Cytogenetic location: 11q22.3.
Variant type: single nucleotide variant.
Coding change: c.703G>C on transcript NM_000051.4 (MANE Select); coding-DNA position 703, G replaced by C.
Protein change: p.Ala235Pro; replaces alanine 235 with proline.
Molecular consequence: missense variant.
Genome position (GRCh38, 1-based): chr11:108,244,828, G>C. VCF-style: chr11-108244828-G-C. GRCh37 (hg19) VCF-style: chr11-108115555-G-C.
Other names: c.703G>C, p.Ala235Pro (NM_001351834.2); short protein forms A235P.
Identifiers: ClinVar variation 1023375 (VCV001023375.8), dbSNP rs76379269, ClinGen allele CA382529138.